The following is an entry in ClinVar:

ClinVar aggregate classification (germline): Likely pathogenic. Review status: criteria provided, multiple submitters, no conflicts (2 of 4 stars). 6 submissions from 6 submitters: Likely pathogenic (6). Last evaluated 2026-05-12.

Conditions:
Hereditary cancer-predisposing syndrome. Also called: Neoplastic Syndromes, Hereditary; Tumor predisposition; Hereditary Cancer Syndrome; Hereditary neoplastic syndrome. Identifiers: Orphanet 140162, MedGen C0027672, MeSH D009386, MONDO:0015356.
Familial cancer of breast. Also called: hereditary breast carcinoma; BREAST CANCER, FAMILIAL; Hereditary breast cancer. Identifiers: Orphanet 227535, MedGen C0346153, MONDO:0016419, OMIM 114480. Disease mechanism: loss of function.
Fanconi anemia complementation group J. Also called: BRIP1-Related Fanconi Anemia. Identifiers: Orphanet 84, MedGen C1836860, MONDO:0012187, OMIM 609054.

gnomAD v4.1: 1 of 1,602,604 alleles (0.000062%); highest among the groups gnomAD compares: Non-Finnish European, 0.000085%; no homozygotes.

Submissions (6):

Women's Health and Genetics/Laboratory Corporation of America, LabCorp
Classification: Likely pathogenic for Fanconi anemia complementation group J. Last evaluated: 2026-05-12. Review status: criteria provided, single submitter. Criteria: LabCorp Variant Classification Summary - May 2015. Collection method: clinical testing. Allele origin: germline.
Comment: Variant summary: BRIP1 c.1473+1G>A is located in a canonical splice-site and is predicted to affect mRNA splicing resulting in a significantly altered protein due to either exon skipping, shortening, or inclusion of intronic material. Variants that disrupt the consensus splice site are a relatively common cause of aberrant splicing and loss of BRIP1 function. Several computational tools predict a significant impact on normal splicing: Four predict the variant abolishes a 5' splicing donor site. However, these predictions have yet to be confirmed by functional studies. The variant was absent in 237976 control chromosomes. To our knowledge, no occurrence of c.1473+1G>A in individuals affected with BRIP1-related conditions and no experimental evidence demonstrating its impact on protein function have been reported. ClinVar contains an entry for this variant (Variation ID: 231182). Based on the evidence outlined above, the variant was classified as likely pathogenic.

Ambry Genetics
Classification: Likely pathogenic for Hereditary cancer-predisposing syndrome. Last evaluated: 2025-01-31. Review status: criteria provided, single submitter. Criteria: Ambry Variant Classification Scheme 2023. Collection method: clinical testing. Allele origin: germline.
Comment: The c.1473+1G>A intronic variant results from a G to A substitution one nucleotide after coding exon 9 of the BRIP1 gene. This nucleotide position is highly conserved in available vertebrate species. In silico splice site analysis predicts that this alteration will weaken the native splice donor site; however, direct evidence is insufficient at this time (Ambry internal data). Alterations that disrupt the canonical splice site are expected to cause aberrant splicing, resulting in an abnormal protein or a transcript that is subject to nonsense-mediated mRNA decay. As such, this alteration is classified as likely pathogenic.

Labcorp Genetics (formerly Invitae), Labcorp
Classification: Likely pathogenic for Familial cancer of breast; Fanconi anemia complementation group J. Last evaluated: 2024-04-03. Review status: criteria provided, single submitter. Criteria: Invitae Variant Classification Sherloc (09022015). Collection method: clinical testing. Allele origin: germline.
Comment: This sequence change affects a donor splice site in intron 10 of the BRIP1 gene. It is expected to disrupt RNA splicing. Variants that disrupt the donor or acceptor splice site typically lead to a loss of protein function (PMID: 16199547), and loss-of-function variants in BRIP1 are known to be pathogenic (PMID: 16116423, 17033622, 21964575). This variant is not present in population databases (gnomAD no frequency). This variant has not been reported in the literature in individuals affected with BRIP1-related conditions. ClinVar contains an entry for this variant (Variation ID: 231182). Algorithms developed to predict the effect of sequence changes on RNA splicing suggest that this variant may disrupt the consensus splice site. In summary, the currently available evidence indicates that the variant is pathogenic, but additional data are needed to prove that conclusively. Therefore, this variant has been classified as Likely Pathogenic.

Baylor Genetics
Classification: Likely pathogenic for Familial cancer of breast. Last evaluated: 2023-08-28. Review status: criteria provided, single submitter. Criteria: ACMG Guidelines, 2015. Collection method: clinical testing. Allele origin: unknown.

Myriad Genetics, Inc.
Classification: Likely pathogenic for Familial cancer of breast. Last evaluated: 2023-06-02. Review status: criteria provided, single submitter. Criteria: Myriad Autosomal Dominant, Autosomal Recessive and X-Linked Classification Criteria (2023). Collection method: clinical testing. Allele origin: unknown.
Comment: This variant is considered likely pathogenic. This variant occurs within a consensus splice junction and is predicted to result in abnormal mRNA splicing of either an out-of-frame exon or an in-frame exon necessary for protein stability and/or normal function.

Color Diagnostics, LLC DBA Color Health
Classification: Likely pathogenic for Hereditary cancer-predisposing syndrome. Last evaluated: 2021-05-10. Review status: criteria provided, single submitter. Criteria: ACMG Guidelines, 2015. Collection method: clinical testing. Allele origin: germline.
Comment: This variant causes a G to A nucleotide substitution at the +1 position of intron 10 of the BRIP1 gene. Splice site prediction tools predict that this variant may have a significant impact on RNA splicing. Although this prediction has not been confirmed in published RNA studies, this variant is expected to result in an absent or disrupted protein product. To our knowledge, this variant has not been reported in individuals affected with hereditary cancer in the literature. This variant has not been identified in the general population by the Genome Aggregation Database (gnomAD). Loss of BRIP1 function is a known mechanism of disease. Based on the available evidence, this variant is classified as Likely Pathogenic.

Literature cited by the submitters: PubMed 16199547 (cited by Labcorp Genetics (formerly Invitae), Labcorp); PubMed 16116423 (cited by Labcorp Genetics (formerly Invitae), Labcorp); PubMed 17033622 (cited by Labcorp Genetics (formerly Invitae), Labcorp); PubMed 21964575 (cited by Labcorp Genetics (formerly Invitae), Labcorp).

NM_032043.3(BRIP1):c.1473+1G>A

Gene: BRIP1 (BRCA1 interacting DNA helicase 1; minus strand). Cytogenetic location: 17q23.2.
Variant type: single nucleotide variant.
Coding change: c.1473+1G>A on transcript NM_032043.3 (MANE Select); the canonical splice donor site of the intron after coding-DNA position 1473, G replaced by A.
Molecular consequence: splice donor variant.
Genome position (GRCh38, 1-based): chr17:61,793,596, C>T on the plus strand (G>A on the coding strand, the complement: BRIP1 is on the minus strand). VCF-style: chr17-61793596-C-T. GRCh37 (hg19) VCF-style: chr17-59870957-C-T.
Identifiers: ClinVar variation 231182 (VCV000231182.22), dbSNP rs748274524, ClinGen allele CA10580841.